The following is an entry in ClinVar:

NM_001276270.2(MBD4):c.1091T>G (p.Val364Gly)

Gene: MBD4 (methyl-CpG binding domain 4, DNA glycosylase; minus strand). Cytogenetic location: 3q21.3.
Variant type: single nucleotide variant.
Coding change: c.1091T>G on transcript NM_001276270.2 (MANE Select); coding-DNA position 1091, T replaced by G.
Protein change: p.Val364Gly; replaces valine 364 with glycine.
Molecular consequence: missense variant. On other transcripts: intron variant (1).
Genome position (GRCh38, 1-based): chr3:129,436,553, A>C on the plus strand (T>G on the coding strand, the complement: MBD4 is on the minus strand). VCF-style: chr3-129436553-A-C. GRCh37 (hg19) VCF-style: chr3-129155396-A-C.
Other names: c.1091T>G, p.Val364Gly (NM_001276271.2, NM_001276272.2, NM_003925.3); c.247+1255T>G (NM_001276273.2); short protein forms V364G.
Identifiers: ClinVar variation 2706291 (VCV002706291.3), dbSNP rs1320763810, ClinGen allele CA354466574.

ClinVar aggregate classification (germline): Uncertain significance (1 of 4 stars; one submission).

Submission:

Labcorp Genetics (formerly Invitae), Labcorp
Classification: Uncertain significance. Last evaluated: 2023-12-29. Review status: criteria provided, single submitter. Criteria: Invitae Variant Classification Sherloc (09022015). Collection method: clinical testing. Allele origin: germline.
Comment: This sequence change replaces valine, which is neutral and non-polar, with glycine, which is neutral and non-polar, at codon 364 of the MBD4 protein (p.Val364Gly). This variant is not present in population databases (gnomAD no frequency). This variant has not been reported in the literature in individuals affected with MBD4-related conditions. An algorithm developed to predict the effect of missense changes on protein structure and function (PolyPhen-2) suggests that this variant is likely to be tolerated. In summary, the available evidence is currently insufficient to determine the role of this variant in disease. Therefore, it has been classified as a Variant of Uncertain Significance.